The following is an entry in ClinVar:

NM_014874.4(MFN2):c.118A>C (p.Asn40His)

Gene: MFN2 (mitofusin 2; plus strand). Cytogenetic location: 1p36.22.
Variant type: single nucleotide variant.
Coding change: c.118A>C on transcript NM_014874.4 (MANE Select); coding-DNA position 118, A replaced by C.
Protein change: p.Asn40His; replaces asparagine 40 with histidine.
Molecular consequence: missense variant.
Genome position (GRCh38, 1-based): chr1:11,989,286, A>C. VCF-style: chr1-11989286-A-C. GRCh37 (hg19) VCF-style: chr1-12049343-A-C.
Other names: c.118A>C, p.Asn40His (NM_001127660.2); short protein forms N40H.
Identifiers: ClinVar variation 1684884 (VCV001684884.10), dbSNP rs1026123951, ClinGen allele CA18035650.

ClinVar aggregate classification (germline): Uncertain significance. Review status: criteria provided, multiple submitters, no conflicts (2 of 4 stars). 4 submissions from 4 submitters: Uncertain significance (4). Last evaluated 2026-08-06.

Conditions:
Multiple symmetric lipomatosis. Also called: Launois-Bensaude syndrome; Madelung's disease; Madelung disease; Benign symmetrical lipomatosis; LIPODYSTROPHY, CEPHALOTHORACIC. Identifiers: Orphanet 2398, MedGen C0023804, MONDO:0007908, OMIM 151800.
Charcot-Marie-Tooth disease type 2. Also called: Charcot-Marie-Tooth type 2. Identifiers: Orphanet 64746, MedGen C0270914, MONDO:0018993.

Submissions (4):

OLLIN Analises Genomicas, OLLIN
Classification: Uncertain significance for Multiple symmetric lipomatosis. Last evaluated: 2026-08-06. Review status: criteria provided, single submitter. Criteria: ACMG Guidelines 2015 PMID 25741868. Collection method: clinical testing. Allele origin: germline. Inheritance: Autosomal dominant inheritance.
Comment: This missense variant, located in exon 3 (of 19), is absent from gnomAD and has not been identified in the literature. However, it has been reported in ClinVar (accession VCV001684884.9). In silico analysis predicts that this variant has a deleterious effect. This gene is constrained for missense variation. According to the currently available evidence, this variant has been classified as uncertain significance (PM2_P, PP2, PP3).

Women's Health and Genetics/Laboratory Corporation of America, LabCorp
Classification: Uncertain significance. Last evaluated: 2025-10-28. Review status: criteria provided, single submitter. Criteria: LabCorp Variant Classification Summary - May 2015. Collection method: clinical testing. Allele origin: germline.
Comment: Variant summary: MFN2 c.118A>C (p.Asn40His) results in a conservative amino acid change in the encoded protein sequence. Algorithms developed to predict the effect of missense changes on protein structure and function are either unavailable or do not agree on the potential impact of this missense change. The variant was absent in 251488 control chromosomes. The available data on variant occurrences in the general population are insufficient to allow any conclusion about variant significance. To our knowledge, no occurrence of c.118A>C in individuals affected with MFN2-related conditions and no experimental evidence demonstrating its impact on protein function have been reported. ClinVar contains an entry for this variant (Variation ID: 1684884). Based on the evidence outlined above, the variant was classified as uncertain significance.

Labcorp Genetics (formerly Invitae), Labcorp
Classification: Uncertain significance for Charcot-Marie-Tooth disease type 2. Last evaluated: 2022-07-12. Review status: criteria provided, single submitter. Criteria: Invitae Variant Classification Sherloc (09022015). Collection method: clinical testing. Allele origin: germline.
Comment: In summary, the available evidence is currently insufficient to determine the role of this variant in disease. Therefore, it has been classified as a Variant of Uncertain Significance. Advanced modeling of protein sequence and biophysical properties (such as structural, functional, and spatial information, amino acid conservation, physicochemical variation, residue mobility, and thermodynamic stability) performed at Invitae indicates that this missense variant is expected to disrupt MFN2 protein function. ClinVar contains an entry for this variant (Variation ID: 1684884). This variant has not been reported in the literature in individuals affected with MFN2-related conditions. This variant is not present in population databases (gnomAD no frequency). This sequence change replaces asparagine, which is neutral and polar, with histidine, which is basic and polar, at codon 40 of the MFN2 protein (p.Asn40His).

Mendelics
Classification: Uncertain significance. Last evaluated: 2022-05-04. Review status: criteria provided, single submitter. Criteria: Mendelics Assertion Criteria 2019. Collection method: clinical testing. Allele origin: germline.